The following is an entry in ClinVar:

ClinVar aggregate classification (germline): Uncertain significance. Review status: criteria provided, multiple submitters, no conflicts (2 of 4 stars). 2 submissions from 2 submitters: Uncertain significance (2). Last evaluated 2025-06-25.

Conditions:
Inborn genetic diseases. Identifiers: MedGen C0950123, MeSH D030342.

Allele frequency attached by ClinVar (database versions not stated): TOPMed below 0.00001; gnomAD 0.00001.
gnomAD v4.1: 1 of 1,614,064 alleles (0.000062%); highest among the groups gnomAD compares: African/African-American, 0.0013%; no homozygotes.

Submissions (2):

Ambry Genetics
Classification: Uncertain significance for Inborn genetic diseases. Last evaluated: 2025-06-25. Review status: criteria provided, single submitter. Criteria: Ambry Variant Classification Scheme 2023. Collection method: clinical testing. Allele origin: germline.

GeneDx
Classification: Uncertain significance. Last evaluated: 2019-10-24. Review status: criteria provided, single submitter. Criteria: GeneDx Variant Classification Process June 2021. Collection method: clinical testing. Allele origin: germline. Affected: yes.
Comment: Not observed at a significant frequency in large population cohorts (Lek et al., 2016); In silico analysis, which includes protein predictors and evolutionary conservation, supports a deleterious effect; Has not been previously published as pathogenic or benign to our knowledge

NM_003982.4(SLC7A7):c.227G>T (p.Trp76Leu)

Gene: SLC7A7 (solute carrier family 7 member 7; minus strand). Cytogenetic location: 14q11.2.
Variant type: single nucleotide variant.
Coding change: c.227G>T on transcript NM_003982.4 (MANE Select); coding-DNA position 227, G replaced by T.
Protein change: p.Trp76Leu; replaces tryptophan 76 with leucine.
Molecular consequence: missense variant.
Genome position (GRCh38, 1-based): chr14:22,813,172, C>A on the plus strand (G>T on the coding strand, the complement: SLC7A7 is on the minus strand). VCF-style: chr14-22813172-C-A. GRCh37 (hg19) VCF-style: chr14-23282381-C-A.
Other names: c.227G>T, p.Trp76Leu (NM_001126105.3, NM_001126106.4); short protein forms W76L.
Identifiers: ClinVar variation 1309391 (VCV001309391.3), dbSNP rs1214135573, ClinGen allele CA388922521.